The following is an entry in ClinVar:

NM_000136.3(FANCC):c.647A>C (p.Gln216Pro)

Genes: AOPEP (aminopeptidase O (putative); plus strand), FANCC (FA complementation group C; minus strand). Cytogenetic location: 9q22.32.
Variant type: single nucleotide variant.
Coding change: c.647A>C on transcript NM_000136.3 (MANE Select); coding-DNA position 647, A replaced by C.
Protein change: p.Gln216Pro; replaces glutamine 216 with proline.
Molecular consequence: missense variant.
Genome position (GRCh38, 1-based): chr9:95,149,962, T>G on the plus strand (A>C on the coding strand, the complement: FANCC is on the minus strand). VCF-style: chr9-95149962-T-G. GRCh37 (hg19) VCF-style: chr9-97912244-T-G.
Other names: c.647A>C, p.Gln216Pro (NM_001243743.2, NM_001243744.2); short protein forms Q216P.
Identifiers: ClinVar variation 3230392 (VCV003230392.1), dbSNP rs1488962539, ClinGen allele CA374109594.

ClinVar aggregate classification (germline): Uncertain significance (1 of 4 stars; one submission).

Conditions:
Hereditary cancer-predisposing syndrome. Also called: Neoplastic Syndromes, Hereditary; Tumor predisposition; Hereditary neoplastic syndrome; Hereditary Cancer Syndrome. Identifiers: Orphanet 140162, MedGen C0027672, MeSH D009386, MONDO:0015356.

Allele frequency attached by ClinVar (database versions not stated): TOPMed below 0.00001.

Submission:

Ambry Genetics
Classification: Uncertain significance for Hereditary cancer-predisposing syndrome. Last evaluated: 2023-11-02. Review status: criteria provided, single submitter. Criteria: Ambry Variant Classification Scheme 2023. Collection method: clinical testing. Allele origin: germline.
Comment: The p.Q216P variant (also known as c.647A>C), located in coding exon 6 of the FANCC gene, results from an A to C substitution at nucleotide position 647. The glutamine at codon 216 is replaced by proline, an amino acid with similar properties. This amino acid position is conserved. In addition, this alteration is predicted to be tolerated by in silico analysis. Since supporting evidence is limited at this time, the clinical significance of this alteration remains unclear.